The following is an entry in ClinVar:

ClinVar aggregate classification (germline): Uncertain significance (1 of 4 stars; one submission).

Allele frequency attached by ClinVar (database versions not stated): gnomAD exomes 0.00001; ExAC 0.00002; gnomAD 0.00003; TOPMed 0.00003.
gnomAD v4.1: 22 of 1,605,430 alleles (0.0014%); highest among the groups gnomAD compares: Non-Finnish European, 0.0017%; no homozygotes.

Submission:

Labcorp Genetics (formerly Invitae), Labcorp
Classification: Uncertain significance. Last evaluated: 2022-07-11. Review status: criteria provided, single submitter. Criteria: Invitae Variant Classification Sherloc (09022015). Collection method: clinical testing. Allele origin: germline.
Comment: This sequence change replaces leucine, which is neutral and non-polar, with proline, which is neutral and non-polar, at codon 2812 of the CPLANE1 protein (p.Leu2812Pro). This variant is present in population databases (rs755153238, gnomAD 0.006%). This variant has not been reported in the literature in individuals affected with CPLANE1-related conditions. Advanced modeling of protein sequence and biophysical properties (such as structural, functional, and spatial information, amino acid conservation, physicochemical variation, residue mobility, and thermodynamic stability) performed at Invitae indicates that this missense variant is not expected to disrupt CPLANE1 protein function. In summary, the available evidence is currently insufficient to determine the role of this variant in disease. Therefore, it has been classified as a Variant of Uncertain Significance.

NM_001384732.1(CPLANE1):c.8597T>C (p.Leu2866Pro)

Gene: CPLANE1 (ciliogenesis and planar polarity effector complex subunit 1; minus strand). Cytogenetic location: 5p13.2.
Variant type: single nucleotide variant.
Coding change: c.8597T>C on transcript NM_001384732.1 (MANE Select); coding-DNA position 8597, T replaced by C.
Protein change: p.Leu2866Pro; replaces leucine 2866 with proline.
Molecular consequence: missense variant.
Genome position (GRCh38, 1-based): chr5:37,142,345, A>G on the plus strand (T>C on the coding strand, the complement: CPLANE1 is on the minus strand). VCF-style: chr5-37142345-A-G. GRCh37 (hg19) VCF-style: chr5-37142447-A-G.
Other names: c.8435T>C, p.Leu2812Pro (NM_023073.4); short protein forms L2812P, L2866P.
Identifiers: ClinVar variation 2152616 (VCV002152616.1), dbSNP rs755153238, ClinGen allele CA3237745.